The following is an entry in ClinVar:

NM_000489.6(ATRX):c.4048G>A (p.Gly1350Arg)

Gene: ATRX (ATRX chromatin remodeler; minus strand). Cytogenetic location: Xq21.1.
Variant type: single nucleotide variant.
Coding change: c.4048G>A on transcript NM_000489.6 (MANE Select); coding-DNA position 4048, G replaced by A.
Protein change: p.Gly1350Arg; replaces glycine 1350 with arginine.
Molecular consequence: missense variant.
Genome position (GRCh38, 1-based): chrX:77,663,454, C>T on the plus strand (G>A on the coding strand, the complement: ATRX is on the minus strand). VCF-style: chrX-77663454-C-T. GRCh37 (hg19) VCF-style: chrX-76918943-C-T.
Other names: c.3934G>A, p.Gly1312Arg (NM_138270.5); short protein forms G1312R, G1350R.
Identifiers: ClinVar variation 1150030 (VCV001150030.11), dbSNP rs782726588, ClinGen allele CA10457853.

ClinVar aggregate classification (germline): Conflicting classifications of pathogenicity. Review status: criteria provided, conflicting classifications (1 of 4 stars). 2 submissions from 2 submitters: Uncertain significance (1); Likely benign (1). Last evaluated 2025-07-09.

Conditions:
Alpha thalassemia-X-linked intellectual disability syndrome (ATRX). Also called: X-linked alpha-thalassemia-mental retardation syndrome; ALPHA-THALASSEMIA/IMPAIRED INTELLECTUAL DEVELOPMENT SYNDROME, X-LINKED; ALPHA-THALASSEMIA/MENTAL RETARDATION SYNDROME, X-LINKED; ATR, NONDELETION TYPE; ATR-X syndrome; Alpha thalassemia mental retardation syndrome, nondeletion type, X-linked. Identifiers: Orphanet 847, MedGen C1845055, MONDO:0010519, OMIM 301040.

Allele frequency attached by ClinVar (database versions not stated): ExAC 0.00001; gnomAD exomes 0.00001 and 0.00002; gnomAD 0.00001; TOPMed 0.00001.
gnomAD v4.1: 13 of 1,209,655 alleles (0.0011%); highest among the groups gnomAD compares: Admixed American, 0.0022%; no homozygotes.

Submissions (2):

Labcorp Genetics (formerly Invitae), Labcorp
Classification: Likely benign for Alpha thalassemia-X-linked intellectual disability syndrome. Last evaluated: 2025-07-09. Review status: criteria provided, single submitter. Criteria: Invitae Variant Classification Sherloc (09022015). Collection method: clinical testing. Allele origin: germline.

Women's Health and Genetics/Laboratory Corporation of America, LabCorp
Classification: Uncertain significance. Last evaluated: 2024-03-06. Review status: criteria provided, single submitter. Criteria: LabCorp Variant Classification Summary - May 2015. Collection method: clinical testing. Allele origin: germline.
Comment: Variant summary: ATRX c.4048G>A (p.Gly1350Arg) results in a non-conservative amino acid change in the encoded protein sequence. Five of five in-silico tools predict a damaging effect of the variant on protein function. The variant allele was found at a frequency of 2.2e-05 in 183293 control chromosomes (gnomAD). The available data on variant occurrences in the general population are insufficient to allow any conclusion about variant significance. To our knowledge, no occurrence of c.4048G>A in individuals affected with ATR-X Syndrome and no experimental evidence demonstrating its impact on protein function have been reported. ClinVar contains an entry for this variant (Variation ID: 1150030). Based on the evidence outlined above, the variant was classified as uncertain significance.